The following is an entry in ClinVar:

NM_014795.4(ZEB2):c.3536T>A (p.Ile1179Lys)

Gene: ZEB2 (zinc finger E-box binding homeobox 2; minus strand). Cytogenetic location: 2q22.3.
Variant type: single nucleotide variant.
Coding change: c.3536T>A on transcript NM_014795.4 (MANE Select); coding-DNA position 3536, T replaced by A.
Protein change: p.Ile1179Lys; replaces isoleucine 1179 with lysine.
Molecular consequence: missense variant.
Genome position (GRCh38, 1-based): chr2:144,389,560, A>T on the plus strand (T>A on the coding strand, the complement: ZEB2 is on the minus strand). VCF-style: chr2-144389560-A-T. GRCh37 (hg19) VCF-style: chr2-145147127-A-T.
Other names: c.3464T>A, p.Ile1155Lys (NM_001171653.2); short protein forms I1155K, I1179K.
Identifiers: ClinVar variation 1346793 (VCV001346793.8), dbSNP rs1238900874, ClinGen allele CA348699065.

ClinVar aggregate classification (germline): Uncertain significance (1 of 4 stars; one submission).

Conditions:
Mowat-Wilson syndrome (MOWS). Also called: Classic Mowat-Wilson Syndrome. Identifiers: Orphanet 2152, MedGen C1856113, MONDO:0009341, OMIM 235730.

Submission:

Labcorp Genetics (formerly Invitae), Labcorp
Classification: Uncertain significance for Mowat-Wilson syndrome. Last evaluated: 2020-11-13. Review status: criteria provided, single submitter. Criteria: Invitae Variant Classification Sherloc (09022015). Collection method: clinical testing. Allele origin: germline.
Comment: In summary, the available evidence is currently insufficient to determine the role of this variant in disease. Therefore, it has been classified as a Variant of Uncertain Significance. Algorithms developed to predict the effect of missense changes on protein structure and function are either unavailable or do not agree on the potential impact of this missense change (SIFT: "Deleterious"; PolyPhen-2: "Benign"; Align-GVGD: "Class C0"). This variant has not been reported in the literature in individuals with ZEB2-related conditions. This variant is not present in population databases (ExAC no frequency). This sequence change replaces isoleucine with lysine at codon 1179 of the ZEB2 protein (p.Ile1179Lys). The isoleucine residue is moderately conserved and there is a moderate physicochemical difference between isoleucine and lysine.